The following is an entry in ClinVar:

ClinVar aggregate classification (germline): Uncertain significance (1 of 4 stars; one submission).

Allele frequency attached by ClinVar (database versions not stated): gnomAD exomes below 0.00001; ExAC 0.00001.
gnomAD v4.1: 1 of 1,613,876 alleles (0.000062%); no homozygotes.

Submission:

Women's Health and Genetics/Laboratory Corporation of America, LabCorp
Classification: Uncertain significance. Last evaluated: 2023-11-15. Review status: criteria provided, single submitter. Criteria: LabCorp Variant Classification Summary - May 2015. Collection method: clinical testing. Allele origin: germline.
Comment: Variant summary: TG c.7997G>A (p.Gly2666Glu) results in a non-conservative amino acid change located in the Carboxylesterase, type B domain (IPR002018) of the encoded protein sequence. Five of five in-silico tools predict a damaging effect of the variant on protein function. Several computational tools predict a significant impact on normal splicing: Two predict the variant abolishes a 5' splicing donor site, and one predicts the variant weakens a 5' donor site. However, these predictions have yet to be confirmed by functional studies. The variant allele was found at a frequency of 4e-06 in 251418 control chromosomes. The available data on variant occurrences in the general population are insufficient to allow any conclusion about variant significance. To our knowledge, no occurrence of c.7997G>A in individuals affected with TG-Related Disorders and no experimental evidence demonstrating its impact on protein function have been reported. No submitters have cited clinical-significance assessments for this variant to ClinVar after 2014. Based on the evidence outlined above, the variant was classified as uncertain significance.

NM_003235.5(TG):c.7997G>A (p.Gly2666Glu)

Gene: TG (thyroglobulin; plus strand). Cytogenetic location: 8q24.22.
Variant type: single nucleotide variant.
Coding change: c.7997G>A on transcript NM_003235.5 (MANE Select); coding-DNA position 7997, G replaced by A.
Protein change: p.Gly2666Glu; replaces glycine 2666 with glutamic acid.
Molecular consequence: missense variant.
Genome position (GRCh38, 1-based): chr8:133,131,946, G>A. VCF-style: chr8-133131946-G-A. GRCh37 (hg19) VCF-style: chr8-134144190-G-A.
Other names: short protein forms G2666E.
Identifiers: ClinVar variation 2682538 (VCV002682538.1), dbSNP rs748861793, ClinGen allele CA4885854.